The following is an entry in ClinVar:

ClinVar aggregate classification (germline): Pathogenic (1 of 4 stars; one submission).

Conditions:
Hereditary spastic paraplegia 15 (SPG15). Also called: SPASTIC PARAPLEGIA 15, AUTOSOMAL RECESSIVE; KJELLIN SYNDROME; SPASTIC PARAPLEGIA AND RETINAL DEGENERATION. Identifiers: Orphanet 100996, MedGen C1849128, MONDO:0010044, OMIM 270700.

Submission:

Myriad Genetics, Inc.
Classification: Pathogenic for Hereditary spastic paraplegia 15. Last evaluated: 2023-09-27. Review status: criteria provided, single submitter. Criteria: Myriad Autosomal Dominant, Autosomal Recessive and X-Linked Classification Criteria (2023). Collection method: clinical testing. Allele origin: unknown.
Comment: NM_015346.3(ZFYVE26):c.5981dupG(Q1995Pfs*9) is expected to be pathogenic in the context of spastic paraplegia type 15. This variant is predicted to lead to an abnormal or absent protein product due to the creation of a premature termination codon in ZFYVE26, a gene where loss-of-function variants are known to be pathogenic. Please note: this variant was assessed in the context of healthy population screening.

NM_015346.4(ZFYVE26):c.5981dup (p.Gln1995fs)

Gene: ZFYVE26 (zinc finger FYVE-type containing 26; minus strand). Cytogenetic location: 14q24.1.
Variant type: Duplication.
Coding change: c.5981dup on transcript NM_015346.4 (MANE Select); coding-DNA position 5981, one base duplicated (G; older notation c.5981dupG).
Protein change: p.Gln1995fs; shifts the reading frame from glutamine 1995.
Molecular consequence: frameshift variant.
Genome position (GRCh38, 1-based): chr14:67,766,257, C duplicated on the plus strand (G on the coding strand, the reverse complement: ZFYVE26 is on the minus strand); the first of 2 consecutive C bases (chr14:67,766,257-67,766,258); duplicating either gives the same sequence. VCF-style (leftmost placement, unchanged base first): chr14-67766256-G-GC. GRCh37 (hg19) VCF-style: chr14-68232973-G-GC.
Other names: short protein forms Q1995fs.
Identifiers: ClinVar variation 5012215 (VCV005012215.1).